The following is an entry in ClinVar:

NM_004187.5(KDM5C):c.470A>G (p.Tyr157Cys)

Gene: KDM5C (lysine demethylase 5C; minus strand). Cytogenetic location: Xp11.22.
Variant type: single nucleotide variant.
Coding change: c.470A>G on transcript NM_004187.5 (MANE Select); coding-DNA position 470, A replaced by G.
Protein change: p.Tyr157Cys; replaces tyrosine 157 with cysteine.
Molecular consequence: missense variant. On other transcripts: non-coding transcript variant (3).
Genome position (GRCh38, 1-based): chrX:53,217,848, T>C on the plus strand (A>G on the coding strand, the complement: KDM5C is on the minus strand). VCF-style: chrX-53217848-T-C. GRCh37 (hg19) VCF-style: chrX-53247030-T-C.
Other names: c.269A>G, p.Tyr90Cys (NM_001146702.2); c.470A>G, p.Tyr157Cys (NM_001282622.3, NM_001353978.3, NM_001353979.2 and 3 more transcripts); short protein forms Y157C, Y90C.
Identifiers: ClinVar variation 451422 (VCV000451422.3), dbSNP rs1556852793, ClinGen allele CA413130817.

ClinVar aggregate classification (germline): Uncertain significance (1 of 4 stars; one submission).

Conditions:
Intellectual developmental disorder, X-linked, syndromic, Claes-Jensen type. Also called: INTELLECTUAL DEVELOPMENTAL DISORDER, X-LINKED, SYNDROMIC 16; MENTAL RETARDATION, X-LINKED, SYNDROMIC 16; Syndromic X-linked intellectual disability Claes-Jensen type. Identifiers: Orphanet 85279, MedGen C1845243, MONDO:0010355, OMIM 300534.

Submission:

GeneDx
Classification: Uncertain significance. Last evaluated: 2017-08-25. Review status: criteria provided, single submitter. Criteria: GeneDx Variant Classification (06012015). Collection method: clinical testing. Allele origin: germline. Affected: yes.
Comment: The Y157C variant has not been published as a pathogenic variant, nor has it been reported as a benign variant to our knowledge. The Y157C variant is not observed in large population cohorts (Lek et al., 2016; 1000 Genomes Consortium et al., 2015; Exome Variant Server). The Y157C variant is a non-conservative amino acid substitution, which is likely to impact secondary protein structure as these residues differ in polarity, charge, size and/or other properties. This substitution occurs at a position that is conserved across species, and in silico analysis predicts this variant is probably damaging to the protein structure/function. Therefore, based on the currently available information, it is unclear whether this variant is a pathogenic variant or a rare benign variant.